The following is an entry in ClinVar:

NM_053025.4(MYLK):c.2140+15C>T

Gene: MYLK (myosin light chain kinase; minus strand). Cytogenetic location: 3q21.1.
Variant type: single nucleotide variant.
Coding change: c.2140+15C>T on transcript NM_053025.4 (MANE Select); 15 bases into the intron after coding-DNA position 2140, C replaced by T.
Molecular consequence: intron variant.
Genome position (GRCh38, 1-based): chr3:123,708,683, G>A on the plus strand (C>T on the coding strand, the complement: MYLK is on the minus strand). VCF-style: chr3-123708683-G-A. GRCh37 (hg19) VCF-style: chr3-123427530-G-A.
Other names: c.1612+15C>T (NM_001321309.2); c.1933+15C>T (NM_053028.4, NM_053026.4); c.2140+15C>T (NM_053027.4).
Identifiers: ClinVar variation 1217273 (VCV001217273.9), dbSNP rs370641462, ClinGen allele CA068136.

ClinVar aggregate classification (germline): Benign/Likely benign. Review status: criteria provided, multiple submitters, no conflicts (2 of 4 stars). 2 submissions from 2 submitters: Benign (1); Likely benign (1). Last evaluated 2026-01-26.

Conditions:
Aortic aneurysm, familial thoracic 7 (AAT7). Also called: AORTIC DISSECTION, FAMILIAL, WITH OR WITHOUT AORTIC ANEURYSM. Identifiers: MedGen C3151077, MONDO:0013418, OMIM 613780.

Allele frequency attached by ClinVar (database versions not stated): gnomAD exomes 0.00001 and 0.00004; ExAC 0.00003; 1000 Genomes Project 30x 0.00016; gnomAD 0.00019; 1000 Genomes Project 0.00020; TOPMed 0.00026; ESP Exome Variant Server 0.00031.
gnomAD v4.1: 53 of 1,613,936 alleles (0.0033%); highest among the groups gnomAD compares: African/African-American, 0.063%; no homozygotes.

Submissions (2):

Labcorp Genetics (formerly Invitae), Labcorp
Classification: Likely benign for Aortic aneurysm, familial thoracic 7. Last evaluated: 2026-01-26. Review status: criteria provided, single submitter. Criteria: Invitae Variant Classification Sherloc (09022015). Collection method: clinical testing. Allele origin: germline.

Women's Health and Genetics/Laboratory Corporation of America, LabCorp
Classification: Benign. Last evaluated: 2021-08-23. Review status: criteria provided, single submitter. Criteria: LabCorp Variant Classification Summary - May 2015. Collection method: clinical testing. Allele origin: germline.
Comment: Variant summary: MYLK c.2140+15C>T alters a non-conserved nucleotide located close to a canonical splice site and therefore could affect mRNA splicing, leading to a significantly altered protein sequence. 4/4 computational tools predict no significant impact on normal splicing. However, these predictions have yet to be confirmed by functional studies. The variant allele was found at a frequency of 0.00018 in 150990 control chromosomes, predominantly at a frequency of 0.00063 within the African or African-American subpopulation in the gnomAD database. The observed variant frequency within African or African-American control individuals in the gnomAD database is approximately 12-fold of the estimated maximal expected allele frequency for a pathogenic variant in MYLK causing Thoracic Aortic Aneurysms and Dissections phenotype (5e-05), strongly suggesting that the variant is a benign polymorphism found primarily in populations of African or African-American origin. To our knowledge, no occurrence of c.2140+15C>T in individuals affected with Thoracic Aortic Aneurysms and Dissections and no experimental evidence demonstrating its impact on protein function have been reported. No clinical diagnostic laboratories have submitted clinical-significance assessments for this variant to ClinVar after 2014. Based on the evidence outlined above, the variant was classified as benign.